The following is an entry in ClinVar:

ClinVar aggregate classification (germline): Uncertain significance (1 of 4 stars; one submission).

Conditions:
Hereditary breast ovarian cancer syndrome. Also called: Hereditary breast and ovarian cancer syndrome; Hereditary breast and ovarian cancer syndrome (HBOC); BRCA1- and BRCA2-Associated Hereditary Breast and Ovarian Cancer; Hereditary breast and ovarian cancer; Breast and ovarian cancer; Hereditary breast and/or ovarian cancer syndrome. Identifiers: Orphanet 145, MedGen C0677776, MeSH D061325, MONDO:0003582. Disease mechanism: loss of function.

Submission:

Labcorp Genetics (formerly Invitae), Labcorp
Classification: Uncertain significance for Hereditary breast ovarian cancer syndrome. Last evaluated: 2024-05-26. Review status: criteria provided, single submitter. Criteria: Invitae Variant Classification Sherloc (09022015). Collection method: clinical testing. Allele origin: germline.
Comment: This sequence change replaces proline, which is neutral and non-polar, with serine, which is neutral and polar, at codon 1575 of the BRCA1 protein (p.Pro1575Ser). This variant is not present in population databases (gnomAD no frequency). This variant has not been reported in the literature in individuals affected with BRCA1-related conditions. Advanced modeling of protein sequence and biophysical properties (such as structural, functional, and spatial information, amino acid conservation, physicochemical variation, residue mobility, and thermodynamic stability) performed at Invitae indicates that this missense variant is not expected to disrupt BRCA1 protein function with a negative predictive value of 95%. In summary, the available evidence is currently insufficient to determine the role of this variant in disease. Therefore, it has been classified as a Variant of Uncertain Significance.

NM_007294.4(BRCA1):c.4723C>T (p.Pro1575Ser)

Gene: BRCA1 (BRCA1 DNA repair associated; minus strand). Cytogenetic location: 17q21.31.
Variant type: single nucleotide variant.
Coding change: c.4723C>T on transcript NM_007294.4 (MANE Select); coding-DNA position 4723, C replaced by T.
Protein change: p.Pro1575Ser; replaces proline 1575 with serine.
Molecular consequence: missense variant. On other transcripts: intron variant (1).
Genome position (GRCh38, 1-based): chr17:43,071,191, G>A on the plus strand (C>T on the coding strand, the complement: BRCA1 is on the minus strand). VCF-style: chr17-43071191-G-A. GRCh37 (hg19) VCF-style: chr17-41223208-G-A.
Other names: c.4717C>T, p.Pro1573Ser (NM_001407635.1, NM_001407636.1, NM_001407637.1 and 14 more transcripts); c.1336C>T, p.Pro446Ser (NM_001408411.1); c.1333C>T, p.Pro445Ser (NM_001408412.1, NM_001408413.1, NM_001408414.1 and 2 more transcripts); c.1297C>T, p.Pro433Ser (NM_001408418.1, NM_001408419.1, NM_001408420.1); c.1294C>T, p.Pro432Ser (NM_001408421.1, NM_001408422.1, NM_001408423.1 and 1 more transcripts); c.4714C>T, p.Pro1572Ser (NM_001407644.1, NM_001407645.1); c.4711C>T, p.Pro1571Ser (NM_001407646.1); c.4708C>T, p.Pro1570Ser (NM_001407647.1); and 71 more; short protein forms P1406S, P1463S, P1505S, P1532S, P1548S, P1556S, P1570S, P1572S.
Identifiers: ClinVar variation 3634635 (VCV003634635.2).